The following is an entry in ClinVar:

ClinVar aggregate classification (germline): Likely pathogenic (1 of 4 stars; one submission).

Submission:

Labcorp Genetics (formerly Invitae), Labcorp
Classification: Likely pathogenic. Last evaluated: 2023-04-23. Review status: criteria provided, single submitter. Criteria: Invitae Variant Classification Sherloc (09022015). Collection method: clinical testing. Allele origin: germline.
Comment: Algorithms developed to predict the effect of sequence changes on RNA splicing suggest that this variant may disrupt the consensus splice site. This variant has not been reported in the literature in individuals affected with ITGB4-related conditions. This variant is not present in population databases (gnomAD no frequency). This variant results in the deletion of part of exon 7 (c.581_738+176del) of the ITGB4 gene. It is expected to disrupt RNA splicing. Variants that disrupt the donor or acceptor splice site typically lead to a loss of protein function (PMID: 16199547), and loss-of-function variants in ITGB4 are known to be pathogenic (PMID: 11328943, 16473856). In summary, the currently available evidence indicates that the variant is pathogenic, but additional data are needed to prove that conclusively. Therefore, this variant has been classified as Likely Pathogenic.

Literature cited by the submitters: PubMed 16199547; PubMed 11328943; PubMed 16473856.

NM_000213.5(ITGB4):c.581_738+176del

Gene: ITGB4 (integrin subunit beta 4; plus strand). Cytogenetic location: 17q25.1.
Variant type: Deletion.
Coding change: c.581_738+176del on transcript NM_000213.5 (MANE Select); coding-DNA position 581 through 176 bases into the intron after coding-DNA position 738, 334 bases deleted.
Molecular consequence: splice donor variant.
Genome position (GRCh38, 1-based): chr17:75,729,279-75,729,612, 334 bases deleted. GRCh37 (hg19): chr17:73,725,360-73,725,693.
Other names: c.581_738+176del (NM_001005619.2, NM_001005731.3, NM_001438834.1 and 1 more transcripts).
Identifiers: ClinVar variation 2858709 (VCV002858709.3), dbSNP rs2545731855, ClinGen allele CA2739268388.